The following is an entry in ClinVar:

ClinVar aggregate classification (germline): Pathogenic (1 of 4 stars; one submission).

Conditions:
Focal segmental glomerulosclerosis 7 (FSGS7). Identifiers: Orphanet 656, MedGen C4014925, MONDO:0014451, OMIM 616002.
Renal coloboma syndrome (PAPRS). Also called: CONGENITAL ANOMALIES OF THE KIDNEY AND URINARY TRACT WITH OR WITHOUT OCULAR ABNORMALITIES; CAKUT WITH OR WITHOUT OCULAR ABNORMALITIES; PAPILLORENAL SYNDROME WITH MILD OCULAR ABNORMALITIES; COLOBOMA OF OPTIC NERVE WITH RENAL DISEASE; PAPILLORENAL SYNDROME; OPTIC COLOBOMA, VESICOURETERAL REFLUX, AND RENAL ANOMALIES. Identifiers: Orphanet 1475, MedGen C1852759, MONDO:0007352, OMIM 120330.

Submission:

Labcorp Genetics (formerly Invitae), Labcorp
Classification: Pathogenic for Renal coloboma syndrome; Focal segmental glomerulosclerosis 7. Last evaluated: 2022-10-04. Review status: criteria provided, single submitter. Criteria: Invitae Variant Classification Sherloc (09022015). Collection method: clinical testing. Allele origin: germline.
Comment: For these reasons, this variant has been classified as Pathogenic. This variant has not been reported in the literature in individuals affected with PAX2-related conditions. This variant is a gross deletion of the genomic region encompassing exon(s) 1-3 of the PAX2 gene, which includes the initiator codon. This deletion extends beyond the assayed region for this gene and therefore may encompass additional genes. It is expected to result in an absent or disrupted protein product. Loss-of-function variants in PAX2 are known to be pathogenic (PMID: 11461952, 24676634).

Literature cited by the submitters: PubMed 11461952; PubMed 24676634.

NC_000010.10:g.(?_102283594)_(102510668_?)del

Genes: HIF1AN (hypoxia inducible factor 1 subunit alpha inhibitor; plus strand), NDUFB8 (NADH:ubiquinone oxidoreductase subunit B8; minus strand), PAX2 (paired box 2; plus strand). Cytogenetic location: 10q24.31.
Variant type: Deletion.
Identifiers: ClinVar variation 2424804 (VCV002424804.3).